The following is an entry in ClinVar:

ClinVar aggregate classification (germline): Likely benign. Review status: criteria provided, multiple submitters, no conflicts (2 of 4 stars). 3 submissions from 3 submitters: Likely benign (3). Last evaluated 2026-01-13.

Conditions:
TTLL5-related disorder. Also called: TTLL5-related condition.

Allele frequency attached by ClinVar (database versions not stated): gnomAD exomes 0.00009 and 0.00021; TOPMed 0.00011; gnomAD 0.00016; 1000 Genomes Project 0.00020; ESP Exome Variant Server 0.00023; 1000 Genomes Project 30x 0.00047.
gnomAD v4.1: 327 of 1,612,692 alleles (0.02%); highest among the groups gnomAD compares: Non-Finnish European, 0.027%; no homozygotes.

Submissions (3):

Labcorp Genetics (formerly Invitae), Labcorp
Classification: Likely benign. Last evaluated: 2026-01-13. Review status: criteria provided, single submitter. Criteria: Invitae Variant Classification Sherloc (09022015). Collection method: clinical testing. Allele origin: germline.

PreventionGenetics, part of Exact Sciences
Classification: Likely benign for TTLL5-related condition. Last evaluated: 2024-11-11. Review status: criteria provided, single submitter. Criteria: ACMG Guidelines, 2015. Collection method: clinical testing. Allele origin: germline.
Comment: This variant is classified as likely benign based on ACMG/AMP sequence variant interpretation guidelines (Richards et al. 2015 PMID: 25741868, with internal and published modifications).

Blueprint Genetics
Classification: Likely benign. Last evaluated: 2024-06-14. Review status: criteria provided, single submitter. Criteria: ACMG Guidelines, 2015. Collection method: clinical testing. Allele origin: germline.

NM_015072.5(TTLL5):c.624C>A (p.Ser208=)

Gene: TTLL5 (tubulin tyrosine ligase like 5; plus strand). Cytogenetic location: 14q24.3.
Variant type: single nucleotide variant.
Coding change: c.624C>A on transcript NM_015072.5 (MANE Select); coding-DNA position 624, C replaced by A.
Protein change: p.Ser208=; no amino-acid change (serine 208 retained).
Molecular consequence: synonymous variant.
Genome position (GRCh38, 1-based): chr14:75,707,056, C>A. VCF-style: chr14-75707056-C-A. GRCh37 (hg19) VCF-style: chr14-76173399-C-A.
Other names: c.624C>A (NM_015072.4).
Identifiers: ClinVar variation 1113918 (VCV001113918.11), dbSNP rs192932593, ClinGen allele CA7279006.